The following is an entry in ClinVar:

ClinVar aggregate classification (germline): Uncertain significance (1 of 4 stars; one submission).

Allele frequency attached by ClinVar (database versions not stated): ExAC 0.00001; gnomAD exomes 0.00001.
gnomAD v4.1: 11 of 1,607,292 alleles (0.00068%); highest among the groups gnomAD compares: South Asian, 0.012%; no homozygotes.

Submission:

Labcorp Genetics (formerly Invitae), Labcorp
Classification: Uncertain significance. Last evaluated: 2022-02-09. Review status: criteria provided, single submitter. Criteria: Invitae Variant Classification Sherloc (09022015). Collection method: clinical testing. Allele origin: germline.
Comment: This variant is present in population databases (rs748666135, gnomAD 0.01%). In summary, the available evidence is currently insufficient to determine the role of this variant in disease. Therefore, it has been classified as a Variant of Uncertain Significance. Algorithms developed to predict the effect of sequence changes on RNA splicing suggest that this variant may create or strengthen a splice site. Advanced modeling of protein sequence and biophysical properties (such as structural, functional, and spatial information, amino acid conservation, physicochemical variation, residue mobility, and thermodynamic stability) performed at Invitae indicates that this missense variant is not expected to disrupt CDK13 protein function. This variant has not been reported in the literature in individuals affected with CDK13-related conditions. This sequence change replaces proline, which is neutral and non-polar, with serine, which is neutral and polar, at codon 1447 of the CDK13 protein (p.Pro1447Ser).

NM_003718.5(CDK13):c.4339C>T (p.Pro1447Ser)

Gene: CDK13 (cyclin dependent kinase 13; plus strand). Cytogenetic location: 7p14.1.
Variant type: single nucleotide variant.
Coding change: c.4339C>T on transcript NM_003718.5 (MANE Select); coding-DNA position 4339, C replaced by T.
Protein change: p.Pro1447Ser; replaces proline 1447 with serine.
Molecular consequence: missense variant.
Genome position (GRCh38, 1-based): chr7:40,094,780, C>T. VCF-style: chr7-40094780-C-T. GRCh37 (hg19) VCF-style: chr7-40134379-C-T.
Other names: c.4159C>T, p.Pro1387Ser (NM_031267.4); short protein forms P1387S, P1447S.
Identifiers: ClinVar variation 2095633 (VCV002095633.4), dbSNP rs748666135, ClinGen allele CA4229114.